The following is an entry in ClinVar:

ClinVar aggregate classification (germline): Conflicting classifications of pathogenicity. Review status: criteria provided, conflicting classifications (1 of 4 stars). 3 submissions from 3 submitters: Uncertain significance (2); Likely benign (1). Last evaluated 2024-12-06.

Conditions:
Cardiovascular phenotype. Identifiers: MedGen CN230736.
Brugada syndrome 6 (BRGDA6). Identifiers: Orphanet 130, MedGen C2751089, MONDO:0013145, OMIM 613119.

Allele frequency attached by ClinVar (database versions not stated): gnomAD exomes 0.00001; gnomAD 0.00002; TOPMed 0.00002.
gnomAD v4.1: 17 of 1,614,072 alleles (0.0011%); highest among the groups gnomAD compares: East Asian, 0.011%; no homozygotes.

Submissions (3):

Ambry Genetics
Classification: Likely benign for Cardiovascular phenotype. Last evaluated: 2024-12-06. Review status: criteria provided, single submitter. Criteria: Ambry Variant Classification Scheme 2023. Collection method: clinical testing. Allele origin: germline.

Labcorp Genetics (formerly Invitae), Labcorp
Classification: Uncertain significance for Brugada syndrome 6. Last evaluated: 2024-06-04. Review status: criteria provided, single submitter. Criteria: Invitae Variant Classification Sherloc (09022015). Collection method: clinical testing. Allele origin: germline.
Comment: This sequence change replaces arginine, which is basic and polar, with histidine, which is basic and polar, at codon 81 of the KCNE3 protein (p.Arg81His). This variant is present in population databases (no rsID available, gnomAD 0.02%). This variant has not been reported in the literature in individuals affected with KCNE3-related conditions. ClinVar contains an entry for this variant (Variation ID: 1791148). An algorithm developed to predict the effect of missense changes on protein structure and function (PolyPhen-2) suggests that this variant is likely to be disruptive. In summary, the available evidence is currently insufficient to determine the role of this variant in disease. Therefore, it has been classified as a Variant of Uncertain Significance.

Revvity Omics, Revvity
Classification: Uncertain significance for Brugada syndrome 6. Last evaluated: 2021-02-26. Review status: criteria provided, single submitter. Criteria: ACMG Guidelines, 2015. Collection method: clinical testing. Allele origin: germline.

NM_005472.5(KCNE3):c.242G>A (p.Arg81His)

Gene: KCNE3 (potassium voltage-gated channel subfamily E regulatory subunit 3; minus strand). Cytogenetic location: 11q13.4.
Variant type: single nucleotide variant.
Coding change: c.242G>A on transcript NM_005472.5 (MANE Select); coding-DNA position 242, G replaced by A.
Protein change: p.Arg81His; replaces arginine 81 with histidine.
Molecular consequence: missense variant.
Genome position (GRCh38, 1-based): chr11:74,457,322, C>T on the plus strand (G>A on the coding strand, the complement: KCNE3 is on the minus strand). VCF-style: chr11-74457322-C-T. GRCh37 (hg19) VCF-style: chr11-74168367-C-T.
Other names: short protein forms R81H.
Identifiers: ClinVar variation 1791148 (VCV001791148.8), dbSNP rs978419298, ClinGen allele CA224975654.